The following is an entry in ClinVar:

ClinVar aggregate classification (germline): Pathogenic (1 of 4 stars; one submission).

Conditions:
Early-infantile DEE. Also called: Early infantile epileptic encephalopathy with suppression bursts; Ohtahara syndrome; Early infantile epileptic encephalopathy. Identifiers: Orphanet 1934, MedGen C0393706, MONDO:0800491.

Submission:

Labcorp Genetics (formerly Invitae), Labcorp
Classification: Pathogenic for Early-infantile DEE. Last evaluated: 2025-09-15. Review status: criteria provided, single submitter. Criteria: Invitae Variant Classification Sherloc (09022015). Collection method: clinical testing. Allele origin: germline.
Comment: This sequence change creates a premature translational stop signal (p.Pro566Glnfs*57) in the SCN1A gene. It is expected to result in an absent or disrupted protein product. Loss-of-function variants in SCN1A are known to be pathogenic (PMID: 17347258, 18930999). This variant is not present in population databases (gnomAD no frequency). This variant has not been reported in the literature in individuals affected with SCN1A-related conditions. For these reasons, this variant has been classified as Pathogenic.

Literature cited by the submitters: PubMed 17347258; PubMed 18930999.

NM_001165963.4(SCN1A):c.1697del (p.Pro566fs)

Gene: SCN1A (sodium voltage-gated channel alpha subunit 1; minus strand). Cytogenetic location: 2q24.3.
Variant type: Deletion.
Coding change: c.1697del on transcript NM_001165963.4 (MANE Select); coding-DNA position 1697, one base deleted (C; older notation c.1697delC).
Protein change: p.Pro566fs; shifts the reading frame from proline 566.
Molecular consequence: frameshift variant. On other transcripts: 5 prime UTR variant (1), non-coding transcript variant (1).
Genome position (GRCh38, 1-based): chr2:166,044,015, G deleted on the plus strand (C on the coding strand, the reverse complement: SCN1A is on the minus strand); the first of 2 consecutive G bases (chr2:166,044,015-166,044,016); deleting either gives the same sequence. VCF-style (leftmost placement, unchanged base first): chr2-166044014-TG-T. GRCh37 (hg19) VCF-style: chr2-166900524-TG-T.
Other names: c.1697del, p.Pro566fs (NM_001165964.3, NM_001202435.3, NM_001353948.2 and 7 more transcripts); c.1694del, p.Pro565fs (NM_001353954.2, NM_001353955.2, NM_001353960.2); c.-729del (NM_001353961.2); short protein forms P565fs, P566fs.
Identifiers: ClinVar variation 4727202 (VCV004727202.1).
Genomic context (GRCh38, chr2:166,044,014, plus strand): 5'-AGATCCCACATCCTTTGCTCGCCCTCTAAAGCTGAAAAGGCTTGTTCTGCTATTTCGCCT[TG>T]GTGAAAATAGGGAGCCACGGATGCTCAACAAAGACTAGAAGTTTGAAAGAGCAAACAAAT-3'